The following is an entry in ClinVar:

ClinVar aggregate classification (germline): Uncertain significance. Review status: criteria provided, multiple submitters, no conflicts (2 of 4 stars). 2 submissions from 2 submitters: Uncertain significance (2). Last evaluated 2026-07-06.

Conditions:
Inborn genetic diseases. Identifiers: MedGen C0950123, MeSH D030342.
Hypokalemic periodic paralysis, type 1. Also called: HypoPP; Hypokalemic Periodic Paralysis Type 1 (AD). Identifiers: Orphanet 681, MedGen C3714580, MONDO:0042979, OMIM 170400.
Malignant hyperthermia, susceptibility to, 5 (MHS5). Also called: CACNA1S-Related Malignant Hyperthermia Susceptibility. Identifiers: Orphanet 423, MedGen C1866077, MONDO:0011163, OMIM 601887.

Submissions (2):

Ambry Genetics
Classification: Uncertain significance for Inborn genetic diseases. Last evaluated: 2026-07-06. Review status: criteria provided, single submitter. Criteria: Ambry Variant Classification Scheme 2023. Collection method: clinical testing. Allele origin: germline.
Comment: The p.S812G variant (also known as c.2434A>G), located in coding exon 18 of the CACNA1S gene, results from an A to G substitution at nucleotide position 2434. The serine at codon 812 is replaced by glycine, an amino acid with similar properties. This amino acid position is conserved. In addition, this alteration is predicted to be deleterious by in silico analysis. Based on the available evidence, the clinical significance of this variant remains unclear.

Labcorp Genetics (formerly Invitae), Labcorp
Classification: Uncertain significance for Hypokalemic periodic paralysis, type 1; Malignant hyperthermia, susceptibility to, 5. Last evaluated: 2024-12-17. Review status: criteria provided, single submitter. Criteria: Invitae Variant Classification Sherloc (09022015). Collection method: clinical testing. Allele origin: germline.
Comment: This sequence change replaces serine, which is neutral and polar, with glycine, which is neutral and non-polar, at codon 812 of the CACNA1S protein (p.Ser812Gly). The frequency data for this variant in the population databases is considered unreliable, as metrics indicate poor data quality at this position in the gnomAD database. This variant has not been reported in the literature in individuals affected with CACNA1S-related conditions. Invitae Evidence Modeling of protein sequence and biophysical properties (such as structural, functional, and spatial information, amino acid conservation, physicochemical variation, residue mobility, and thermodynamic stability) has been performed for this missense variant. However, the output from this modeling did not meet the statistical confidence thresholds required to predict the impact of this variant on CACNA1S protein function. In summary, the available evidence is currently insufficient to determine the role of this variant in disease. Therefore, it has been classified as a Variant of Uncertain Significance.

NM_000069.3(CACNA1S):c.2434A>G (p.Ser812Gly)

Gene: CACNA1S (calcium voltage-gated channel subunit alpha1 S; minus strand). Cytogenetic location: 1q32.1.
Variant type: single nucleotide variant.
Coding change: c.2434A>G on transcript NM_000069.3 (MANE Select); coding-DNA position 2434, A replaced by G.
Protein change: p.Ser812Gly; replaces serine 812 with glycine.
Molecular consequence: missense variant.
Genome position (GRCh38, 1-based): chr1:201,069,528, T>C on the plus strand (A>G on the coding strand, the complement: CACNA1S is on the minus strand). VCF-style: chr1-201069528-T-C. GRCh37 (hg19) VCF-style: chr1-201038656-T-C.
Other names: c.2434A>G (NM_000069.2); short protein forms S812G.
Identifiers: ClinVar variation 3762468 (VCV003762468.4).